The following is an entry in ClinVar:

NM_177438.3(DICER1):c.3777dup (p.Val1260fs)

Gene: DICER1 (dicer 1, ribonuclease III; minus strand). Cytogenetic location: 14q32.13.
Variant type: Duplication.
Coding change: c.3777dup on transcript NM_177438.3 (MANE Select); coding-DNA position 3777, one base duplicated (C; older notation c.3777dupC).
Protein change: p.Val1260fs; shifts the reading frame from valine 1260.
Molecular consequence: frameshift variant.
Genome position (GRCh38, 1-based): chr14:95,103,619, G duplicated on the plus strand (C on the coding strand, the reverse complement: DICER1 is on the minus strand); the first of 2 consecutive G bases (chr14:95,103,619-95,103,620); duplicating either gives the same sequence. VCF-style (leftmost placement, unchanged base first): chr14-95103618-C-CG. GRCh37 (hg19) VCF-style: chr14-95569955-C-CG.
Other names: c.3777dupC (NM_177438.2); c.3777dup (NM_177438.2); c.3777dup, p.Val1260fs (NM_001195573.1, NM_001271282.3, NM_001291628.2 and 1 more transcripts); short protein forms V1260fs.
Identifiers: ClinVar variation 254329 (VCV000254329.11), dbSNP rs886037709, ClinGen allele CA10586421.

ClinVar aggregate classification (germline): Pathogenic. Review status: criteria provided, multiple submitters, no conflicts (2 of 4 stars). 4 submissions from 4 submitters: Pathogenic (4). Last evaluated 2026-10-01.

Conditions:
DICER1-related tumor predisposition. Also called: DICER1 syndrome; DICER1-related pleuropulmonary blastoma cancer predisposition syndrome. Identifiers: Orphanet 284343, MedGen C3839822, MONDO:0100216.
Pleuropulmonary blastoma (PPB). Identifiers: Orphanet 64742, MedGen C1266144, MONDO:0011014, OMIM 601200, HP:0100528.

Submissions (4):

St. Jude Molecular Pathology, St. Jude Children's Research Hospital
Classification: Pathogenic for Pleuropulmonary blastoma. Last evaluated: 2026-10-01. Review status: criteria provided, single submitter. Criteria: St. Jude Assertion Criteria 2020. Collection method: clinical testing. Allele origin: germline.
Comment: The DICER1 c.3777dup p.(Val1260ArgfsTer19) change duplicates one nucleotide to cause a fra meshift and the creation of a premature stop codon. This change is predicted to cause protein truncation or absence of protein due to nonsense-mediated decay. This variant has been reported in individuals with DICER1-associated tumors (PMID: 21501861, in ternal data). This variant is also absent in gnomAD v2.1.1. In summary, this variant meets criteria to be classified as pathogenic.

Labcorp Genetics (formerly Invitae), Labcorp
Classification: Pathogenic for DICER1-related tumor predisposition. Last evaluated: 2022-10-16. Review status: criteria provided, single submitter. Criteria: Invitae Variant Classification Sherloc (09022015). Collection method: clinical testing. Allele origin: germline.
Comment: This sequence change creates a premature translational stop signal (p.Val1260Argfs*19) in the DICER1 gene. It is expected to result in an absent or disrupted protein product. Loss-of-function variants in DICER1 are known to be pathogenic (PMID: 19556464, 21266384). This variant is not present in population databases (gnomAD no frequency). For these reasons, this variant has been classified as Pathogenic. ClinVar contains an entry for this variant (Variation ID: 254329). This premature translational stop signal has been observed in individual(s) with pleuropulmonary blastoma (PMID: 21501861, 26925222).

Foulkes Cancer Genetics LDI, Lady Davis Institute for Medical Research
Classification: Pathogenic for Pleuropulmonary blastoma. Last evaluated: 2019-07-01. Review status: criteria provided, single submitter. Criteria: ACMG Guidelines, 2015. Collection method: curation. Allele origin: germline. Affected: yes. Observed: 3 variant alleles.
Comment: ACMG criteria met: PVS1, PM2, PP4

International Pleuropulmonary Blastoma Registry, Children's Hospitals and Clinics of Minnesota
Classification: Pathogenic for Pleuropulmonary blastoma. Last evaluated: 2014-11-10. Review status: criteria provided, single submitter. Criteria: Hill et al. (Science. 2009). Collection method: clinical testing. Allele origin: germline. Affected: yes. Study: PPB-DICER1 Genetic study.

Literature cited by the submitters: PubMed 19556464 (cited by Labcorp Genetics (formerly Invitae), Labcorp); PubMed 21266384 (cited by Labcorp Genetics (formerly Invitae), Labcorp); PubMed 21501861 (cited by Labcorp Genetics (formerly Invitae), Labcorp and Foulkes Cancer Genetics LDI, Lady Davis Institute for Medical Research); PubMed 26925222 (cited by 3 submitters).